The following is an entry in ClinVar:

ClinVar aggregate classification (germline): Likely pathogenic (1 of 4 stars; one submission).

Allele frequency attached by ClinVar (database versions not stated): TOPMed below 0.00001.

Submission:

Labcorp Genetics (formerly Invitae), Labcorp
Classification: Likely pathogenic. Last evaluated: 2023-11-18. Review status: criteria provided, single submitter. Criteria: Invitae Variant Classification Sherloc (09022015). Collection method: clinical testing. Allele origin: germline.
Comment: This sequence change affects a donor splice site in intron 4 of the ALPK3 gene. It is expected to disrupt RNA splicing. Variants that disrupt the donor or acceptor splice site typically lead to a loss of protein function (PMID: 16199547), and loss-of-function variants in ALPK3 are known to be pathogenic (PMID: 21441111, 26846950, 27106955, 34263907). This variant is not present in population databases (gnomAD no frequency). This variant has not been reported in the literature in individuals affected with ALPK3-related conditions. Algorithms developed to predict the effect of sequence changes on RNA splicing suggest that this variant may disrupt the consensus splice site. In summary, the currently available evidence indicates that the variant is pathogenic, but additional data are needed to prove that conclusively. Therefore, this variant has been classified as Likely Pathogenic.

Literature cited by the submitters: PubMed 16199547; PubMed 21441111; PubMed 26846950; PubMed 27106955; PubMed 34263907.

NM_020778.5(ALPK3):c.422+1G>A

Gene: ALPK3 (alpha kinase 3; plus strand). Cytogenetic location: 15q25.3.
Variant type: single nucleotide variant.
Coding change: c.422+1G>A on transcript NM_020778.5 (MANE Select); the canonical splice donor site of the intron after coding-DNA position 422, G replaced by A.
Molecular consequence: splice donor variant.
Genome position (GRCh38, 1-based): chr15:84,839,098, G>A. VCF-style: chr15-84839098-G-A. GRCh37 (hg19) VCF-style: chr15-85382329-G-A.
Identifiers: ClinVar variation 2805142 (VCV002805142.3), dbSNP rs1262026315, ClinGen allele CA393372032.